The following is an entry in ClinVar:

ClinVar aggregate classification (germline): Pathogenic (1 of 4 stars; one submission).

Conditions:
Dilated cardiomyopathy 1G (CMD1G). Identifiers: Orphanet 154, MedGen C1858763, MONDO:0011400, OMIM 604145.

Submission:

Broad Center for Mendelian Genomics, Broad Institute of MIT and Harvard
Classification: Pathogenic for Dilated cardiomyopathy 1G. Last evaluated: 2023-08-24. Review status: criteria provided, single submitter. Criteria: ACMG/ClinGen CNV Guidelines, 2019. Collection method: research. Allele origin: de novo. Inheritance: Autosomal dominant inheritance. Affected: yes.
Comment: A confirmed de novo heterozygous deletion of exons 225-334 in TTN (NM_001267550.2) was identified by exome sequencing and confirmed by targeted chromosomal microarray of the TTN gene in one individual with dilated cardiomyopathy ([GRCh38] chr2:178553579_178637393x1)(PMID: 34740920). The patient phenotype is nonspecific, but is consistent with cases described in the literature and/or published databases with overlapping variants. This intragenic variant is predicted to cause a frameshift, which alters the protein’s amino acid sequence beginning at exon 3 and leads to a premature termination codon. This alteration is then predicted to lead to a truncated or absent. The TTN gene is known to be haploinsufficient, and has been assessed by the ClinGen Dosage Sensitivity Working Group. In summary, this variant meets criteria to be classified as pathogenic for autosomal dominant dilated cardiomyopathy. The ACMG/ClinGen evidence codes and points used in this curation are as follows: 1: 0 points, 2: 0.90 points, 3: 0 points, 4-5: 0.15 points; Total: 1.05 points; Riggs 2020 (PMID: 31690835).

Literature cited by the submitters: PubMed 34740920.

GRCh38/hg38 2q31.2(chr2:178553579-178637393)x1

Genes: TTN-AS1 (TTN antisense RNA 1; plus strand), TTN (titin; minus strand), LOC129388955 (MPRA-validated peak3948 silencer; plus strand), LOC126806424 (CDK7 strongly-dependent group 2 enhancer GRCh37_chr2:179456337-179457536; plus strand), LOC126806423 (CDK7 strongly-dependent group 2 enhancer GRCh37_chr2:179443309-179444508; plus strand) and 4 more. Cytogenetic location: 2q31.2.
Variant type: copy number loss.
Change: copy number 1 (one copy instead of two) of chr2:178,553,579-178,637,393 (83.8 kb, GRCh38 coordinates, 1-based), cytogenetic band 2q31.2.
Identifiers: ClinVar variation 2579187 (VCV002579187.1).